The following is an entry in ClinVar:

ClinVar aggregate classification (germline): Benign/Likely benign. Review status: criteria provided, multiple submitters, no conflicts (2 of 4 stars). 4 submissions from 4 submitters: Benign (2); Likely benign (1). 1 of the submissions does not count toward it. Last evaluated 2025-08-18.

Conditions:
DNHD1-related disorder. Also called: DNHD1-related condition.

Allele frequency attached by ClinVar (database versions not stated): gnomAD exomes 0.00076 and 0.00163; ExAC 0.00284; 1000 Genomes Project 0.00759; 1000 Genomes Project 30x 0.00812; gnomAD 0.00818 and 0.00885; TOPMed 0.00939; ESP Exome Variant Server 0.00986.
gnomAD v4.1: 2,405 of 1,551,720 alleles (0.15%); highest among the groups gnomAD compares: African/African-American, 2.8%; 35 homozygotes.

Submissions (4):

Genomic Medicine Center of Excellence, King Faisal Specialist Hospital and Research Centre
Classification: Likely benign. Last evaluated: 2025-08-18. Review status: criteria provided, single submitter. Criteria: ACMG Guidelines, 2015. Collection method: clinical testing. Allele origin: germline.

Labcorp Genetics (formerly Invitae), Labcorp
Classification: Benign. Last evaluated: 2019-12-31. Review status: criteria provided, single submitter. Criteria: Invitae Variant Classification Sherloc (09022015). Collection method: clinical testing. Allele origin: germline.

Breakthrough Genomics
Classification: Benign. Review status: criteria provided, single submitter. Criteria: ACMG Guidelines, 2015. Collection method: not provided. Allele origin: germline. Inheritance: Autosomal recessive inheritance. Affected: yes.

PreventionGenetics, part of Exact Sciences
Classification: Benign for DNHD1-related condition. Last evaluated: 2019-06-21. Review status: no assertion criteria provided. Collection method: clinical testing. Allele origin: germline. Not counted in ClinVar's aggregate classification.
Comment: This variant is classified as benign based on ACMG/AMP sequence variant interpretation guidelines (Richards et al. 2015 PMID: 25741868, with internal and published modifications).

NM_144666.3(DNHD1):c.9122T>C (p.Ile3041Thr)

Gene: DNHD1 (dynein heavy chain domain 1; plus strand). Cytogenetic location: 11p15.4.
Variant type: single nucleotide variant.
Coding change: c.9122T>C on transcript NM_144666.3 (MANE Select); coding-DNA position 9122, T replaced by C.
Protein change: p.Ile3041Thr; replaces isoleucine 3041 with threonine.
Molecular consequence: missense variant.
Genome position (GRCh38, 1-based): chr11:6,558,604, T>C. VCF-style: chr11-6558604-T-C. GRCh37 (hg19) VCF-style: chr11-6579834-T-C.
Other names: short protein forms I3041T.
Identifiers: ClinVar variation 724238 (VCV000724238.8), dbSNP rs116327405, ClinGen allele CA5856360.
Genomic context (GRCh38, chr11:6,558,604, plus strand): 5'-CCCACAAGCAGCTGCCCTCCACCCTTTTCCTGAGGCTCCTTCAACTGGCCACTGCCAGCA[T>C]TGACCGCTATGAACCCTGGGACCAAGCTGCCCTGGCCAAGGTGGCCCAGCATCACCTGGA-3'
Protein context (NP_653267.2, residues 3031-3051): LRLLQLATAS[Ile3041Thr]DRYEPWDQAA